The following is an entry in ClinVar:

NM_198576.4(AGRN):c.3359C>T (p.Ser1120Leu)

Gene: AGRN (agrin; plus strand). Cytogenetic location: 1p36.33.
Variant type: single nucleotide variant.
Coding change: c.3359C>T on transcript NM_198576.4 (MANE Select); coding-DNA position 3359, C replaced by T.
Protein change: p.Ser1120Leu; replaces serine 1120 with leucine.
Molecular consequence: missense variant.
Genome position (GRCh38, 1-based): chr1:1,046,928, C>T. VCF-style: chr1-1046928-C-T. GRCh37 (hg19) VCF-style: chr1-982308-C-T.
Other names: c.3359C>T, p.Ser1120Leu (NM_001305275.2); c.3044C>T, p.Ser1015Leu (NM_001364727.2); c.3359C>T (NM_198576.3); short protein forms S1120L, S1015L.
Identifiers: ClinVar variation 2067903 (VCV002067903.4), dbSNP rs748666579, ClinGen allele CA509027.

ClinVar aggregate classification (germline): Uncertain significance. Review status: criteria provided, multiple submitters, no conflicts (2 of 4 stars). 2 submissions from 2 submitters: Uncertain significance (2). Last evaluated 2024-10-19.

Conditions:
Inborn genetic diseases. Identifiers: MedGen C0950123, MeSH D030342.
Congenital myasthenic syndrome 8. Also called: Myasthenic syndrome, congenital, 8, with pre- and postsynaptic defects; MYASTHENIC SYNDROME, CONGENITAL, DUE TO AGRIN DEFICIENCY. Identifiers: Orphanet 590, MedGen C3808739, MONDO:0014052, OMIM 615120.

Allele frequency attached by ClinVar (database versions not stated): gnomAD exomes 0.00001; TOPMed 0.00005; gnomAD 0.00006; ExAC 0.00009.
gnomAD v4.1: 29 of 1,579,570 alleles (0.0018%); highest among the groups gnomAD compares: African/African-American, 0.019%; no homozygotes.

Submissions (2):

Ambry Genetics
Classification: Uncertain significance for Inborn genetic diseases. Last evaluated: 2024-10-19. Review status: criteria provided, single submitter. Criteria: Ambry Variant Classification Scheme 2023. Collection method: clinical testing. Allele origin: germline.

Labcorp Genetics (formerly Invitae), Labcorp
Classification: Uncertain significance for Congenital myasthenic syndrome 8. Last evaluated: 2022-08-03. Review status: criteria provided, single submitter. Criteria: Invitae Variant Classification Sherloc (09022015). Collection method: clinical testing. Allele origin: germline.
Comment: This sequence change replaces serine, which is neutral and polar, with leucine, which is neutral and non-polar, at codon 1120 of the AGRN protein (p.Ser1120Leu). This variant is present in population databases (rs748666579, gnomAD 0.03%). This variant has not been reported in the literature in individuals affected with AGRN-related conditions. Algorithms developed to predict the effect of missense changes on protein structure and function output the following: SIFT: "Deleterious"; PolyPhen-2: "Benign"; Align-GVGD: "Class C0". The leucine amino acid residue is found in multiple mammalian species, which suggests that this missense change does not adversely affect protein function. In summary, the available evidence is currently insufficient to determine the role of this variant in disease. Therefore, it has been classified as a Variant of Uncertain Significance.